The following is an entry in ClinVar:

ClinVar aggregate classification (germline): Pathogenic. Review status: criteria provided, multiple submitters, no conflicts (2 of 4 stars). 3 submissions from 3 submitters: Pathogenic (3). Last evaluated 2025-05-27.

Conditions:
Hereditary cancer-predisposing syndrome. Also called: Hereditary Cancer Syndrome; Neoplastic Syndromes, Hereditary; Hereditary neoplastic syndrome; Tumor predisposition. Identifiers: Orphanet 140162, MedGen C0027672, MeSH D009386, MONDO:0015356.
Hereditary diffuse gastric adenocarcinoma (HDGC). Also called: DIFFUSE GASTRIC AND LOBULAR BREAST CANCER SYNDROME. Identifiers: Orphanet 26106, MedGen C1708349, MONDO:0007648, OMIM 137215.

Submissions (3):

Ambry Genetics
Classification: Pathogenic for Hereditary cancer-predisposing syndrome. Last evaluated: 2025-05-27. Review status: criteria provided, single submitter. Criteria: Ambry Variant Classification Scheme 2023. Collection method: clinical testing. Allele origin: germline.
Comment: The c.360delG pathogenic mutation, located in coding exon 3 of the CDH1 gene, results from a deletion of one nucleotide at nucleotide position 360, causing a translational frameshift with a predicted alternate stop codon (p.H121Tfs*94). This variant was reported in individual(s) with features consistent with CDH1-related diffuse gastric and lobular breast cancer (Tedaldi G et al. Cancers (Basel), 2019 Sep;11:). This variant is considered to be rare based on population cohorts in the Genome Aggregation Database (gnomAD). This alteration is expected to result in loss of function by premature protein truncation or nonsense-mediated mRNA decay. As such, this alteration is interpreted as a disease-causing mutation.

European Reference Network on Genetic Tumour Risk Syndromes (ERN-GENTURIS), i3s - Instituto de Investigação e Inovação em Saúde, University of Porto
Classification: Pathogenic for Hereditary diffuse gastric adenocarcinoma. Last evaluated: 2022-08-01. Review status: criteria provided, single submitter. Criteria: Lee et al. (Hum Mutat. 2018). Collection method: clinical testing. Allele origin: germline. Inheritance: Autosomal dominant inheritance. Affected: yes. Study: ERN GENTURIS.
Comment: PVS1; PS4_Supporting; PM2 (PMID: 30311375)

Immunopatologia e Biomarcatori Oncologici/Bio-proteomics facility, Centro di Riferimento Oncologico
Classification: Pathogenic for Hereditary diffuse gastric cancer. Last evaluated: 2020-01-31. Review status: criteria provided, single submitter. Criteria: Submitter's publication. Collection method: clinical testing. Allele origin: germline. Inheritance: Autosomal dominant inheritance. Affected: yes. Observed: 4 variant alleles, 4 heterozygotes.

Literature cited by the submitters: PubMed 31514334 (cited by Ambry Genetics); PubMed 36436516 (cited by European Reference Network on Genetic Tumour Risk Syndromes (ERN-GENTURIS), i3s - Instituto de Investigação e Inovação em Saúde, University of Porto).

NM_004360.5(CDH1):c.360del (p.His121fs)

Gene: CDH1 (cadherin 1; plus strand). Cytogenetic location: 16q22.1.
Variant type: Deletion.
Coding change: c.360del on transcript NM_004360.5 (MANE Select); coding-DNA position 360, one base deleted (G; older notation c.360delG).
Protein change: p.His121fs; shifts the reading frame from histidine 121.
Molecular consequence: frameshift variant. On other transcripts: 5 prime UTR variant (2).
Genome position (GRCh38, 1-based): chr16:68,801,866, G deleted; the last of 4 consecutive G bases (chr16:68,801,863-68,801,866); deleting any one gives the same sequence. VCF-style (leftmost placement, unchanged base first): chr16-68801862-TG-T. GRCh37 (hg19) VCF-style: chr16-68835765-TG-T.
Other names: c.360del, p.His121fs (NM_001317184.2); c.-1256del (NM_001317185.2); c.-1460del (NM_001317186.2); c.360del (NM_004360.4); short protein forms H121fs.
Identifiers: ClinVar variation 818202 (VCV000818202.5), dbSNP rs878854690, ClinGen allele CA496152703.